The following is an entry in ClinVar:

ClinVar aggregate classification (germline): Likely pathogenic (1 of 4 stars; one submission).

Submission:

Athena Diagnostics
Classification: Likely pathogenic. Last evaluated: 2022-03-31. Review status: criteria provided, single submitter. Criteria: Athena Diagnostics Criteria. Collection method: clinical testing. Allele origin: unknown.
Comment: This variant is expected to result in the loss of a functional protein. This variant has not been reported in large, multi-ethnic general populations.

NM_001009944.3(PKD1):c.4898del (p.Glu1633fs)

Gene: PKD1 (polycystin 1, transient receptor potential channel interacting; minus strand). Cytogenetic location: 16p13.3.
Variant type: Deletion.
Coding change: c.4898del on transcript NM_001009944.3 (MANE Select); coding-DNA position 4898, one base deleted (A; older notation c.4898delA).
Protein change: p.Glu1633fs; shifts the reading frame from glutamic acid 1633.
Molecular consequence: frameshift variant.
Genome position (GRCh38, 1-based): chr16:2,110,269, T deleted on the plus strand (A on the coding strand, the reverse complement: PKD1 is on the minus strand). VCF-style (leftmost placement, unchanged base first): chr16-2110268-CT-C. GRCh37 (hg19) VCF-style: chr16-2160269-CT-C.
Other names: c.4898del, p.Glu1633fs (NM_000296.4); short protein forms E1633fs.
Identifiers: ClinVar variation 1807319 (VCV001807319.1), dbSNP rs2544817396, ClinGen allele CA2580090939.